The following is an entry in ClinVar:

NM_020461.4(TUBGCP6):c.4391A>G (p.Gln1464Arg)

Gene: TUBGCP6 (tubulin gamma complex component 6; minus strand). Cytogenetic location: 22q13.33.
Variant type: single nucleotide variant.
Coding change: c.4391A>G on transcript NM_020461.4 (MANE Select); coding-DNA position 4391, A replaced by G.
Protein change: p.Gln1464Arg; replaces glutamine 1464 with arginine.
Molecular consequence: missense variant.
Genome position (GRCh38, 1-based): chr22:50,219,381, T>C on the plus strand (A>G on the coding strand, the complement: TUBGCP6 is on the minus strand). VCF-style: chr22-50219381-T-C. GRCh37 (hg19) VCF-style: chr22-50657810-T-C.
Other names: short protein forms Q1464R.
Identifiers: ClinVar variation 2120304 (VCV002120304.4), dbSNP rs2064475663, ClinGen allele CA412172054.

ClinVar aggregate classification (germline): Uncertain significance (1 of 4 stars; one submission).

Allele frequency attached by ClinVar (database versions not stated): gnomAD exomes below 0.00001.
gnomAD v4.1: 1 of 1,579,894 alleles (0.000063%); highest among the groups gnomAD compares: Non-Finnish European, 0.000086%; no homozygotes.

Submission:

Labcorp Genetics (formerly Invitae), Labcorp
Classification: Uncertain significance. Last evaluated: 2023-07-17. Review status: criteria provided, single submitter. Criteria: Invitae Variant Classification Sherloc (09022015). Collection method: clinical testing. Allele origin: germline.
Comment: ClinVar contains an entry for this variant (Variation ID: 2120304). Algorithms developed to predict the effect of missense changes on protein structure and function output the following: SIFT: "Not Available"; PolyPhen-2: "Benign"; Align-GVGD: "Not Available". The arginine amino acid residue is found in multiple mammalian species, which suggests that this missense change does not adversely affect protein function. In summary, the available evidence is currently insufficient to determine the role of this variant in disease. Therefore, it has been classified as a Variant of Uncertain Significance. This variant has not been reported in the literature in individuals affected with TUBGCP6-related conditions. This sequence change replaces glutamine, which is neutral and polar, with arginine, which is basic and polar, at codon 1464 of the TUBGCP6 protein (p.Gln1464Arg). This variant is not present in population databases (gnomAD no frequency).